The following is an entry in ClinVar:

ClinVar aggregate classification (germline): Pathogenic/Likely pathogenic. Review status: criteria provided, multiple submitters, no conflicts (2 of 4 stars). 2 submissions from 2 submitters: Pathogenic (1); Likely pathogenic (1). Last evaluated 2022-02-25.

Conditions:
Generalized epilepsy with febrile seizures plus, type 2 (GEFSP2). Also called: GEFS+, TYPE 2. Identifiers: Orphanet 36387, MedGen C1858673, MONDO:0011461, OMIM 604403.
Migraine, familial hemiplegic, 3. Identifiers: Orphanet 569, MedGen C1864987, MONDO:0012320, OMIM 609634.
Severe myoclonic epilepsy in infancy (DRVT). Also called: Dravet syndrome; Epileptic encephalopathy, early infantile, 6 (Dravet syndrome); SEVERE MYOCLONIC EPILEPSY OF INFANCY; DEVELOPMENTAL AND EPILEPTIC ENCEPHALOPATHY 6A; Severe Myoclonic Epilepsy in Infancy (SMEI). Identifiers: Orphanet 33069, MedGen C0751122, MONDO:0100135, OMIM 607208.
Developmental and epileptic encephalopathy 6B. Also called: Developmental and epileptic encephalopathy 6B, non-Dravet. Identifiers: MedGen C5543353, MONDO:0030268, OMIM 619317.
Early-infantile DEE. Also called: Early infantile epileptic encephalopathy; Ohtahara syndrome; Early infantile epileptic encephalopathy with suppression bursts. Identifiers: Orphanet 1934, MedGen C0393706, MONDO:0800491.

Submissions (2):

Labcorp Genetics (formerly Invitae), Labcorp
Classification: Pathogenic for Early-infantile DEE. Last evaluated: 2022-02-25. Review status: criteria provided, single submitter. Criteria: Invitae Variant Classification Sherloc (09022015). Collection method: clinical testing. Allele origin: germline.
Comment: This variant is not present in population databases (gnomAD no frequency). This sequence change replaces alanine, which is neutral and non-polar, with valine, which is neutral and non-polar, at codon 1441 of the SCN1A protein (p.Ala1441Val). This missense change has been observed in individual(s) with Dravet syndrome (PMID: 31765958). For these reasons, this variant has been classified as Pathogenic. This variant disrupts the p.Ala1441 amino acid residue in SCN1A. Other variant(s) that disrupt this residue have been determined to be pathogenic (PMID: 25459968; Invitae). This suggests that this residue is clinically significant, and that variants that disrupt this residue are likely to be disease-causing. Advanced modeling of protein sequence and biophysical properties (such as structural, functional, and spatial information, amino acid conservation, physicochemical variation, residue mobility, and thermodynamic stability) performed at Invitae indicates that this missense variant is expected to disrupt SCN1A protein function.

Juno Genomics, Hangzhou Juno Genomics, Inc
Classification: Likely pathogenic for Developmental and epileptic encephalopathy 6B; Severe myoclonic epilepsy in infancy; Generalized epilepsy with febrile seizures plus, type 2; Migraine, familial hemiplegic, 3. Review status: criteria provided, single submitter. Criteria: ACMG Guidelines, 2015. Collection method: clinical testing. Allele origin: germline. Affected: yes.
Comment: Absent from controls (or at extremely low frequency if recessive) in Genome Aggregation Database, Exome Sequencing Project, 1000 Genomes Project, or Exome Aggregation Consortium.;Multiple lines of computational evidence support a deleterious effect on the gene or gene product (conservation, evolutionary, splicing impact, etc).;Novel missense change at an amino acid residue where a different missense change determined to be pathogenic has been seen before.;Missense variant in a gene that has a low rate of benign missense variation and where missense variants are a common mechanism of disease.;The prevalence of the variant in affected individuals is significantly increased compared to the prevalence in controls.;Patient's phenotype or family history is highly specific for a disease with a single genetic etiology.

Literature cited by the submitters: PubMed 31765958 (cited by Labcorp Genetics (formerly Invitae), Labcorp); PubMed 25459968 (cited by Labcorp Genetics (formerly Invitae), Labcorp).

NM_001165963.4(SCN1A):c.4322C>T (p.Ala1441Val)

Genes: SCN1A (sodium voltage-gated channel alpha subunit 1; minus strand), LOC102724058 (uncharacterized LOC102724058; plus strand). Cytogenetic location: 2q24.3.
Variant type: single nucleotide variant.
Coding change: c.4322C>T on transcript NM_001165963.4 (MANE Select); coding-DNA position 4322, C replaced by T.
Protein change: p.Ala1441Val; replaces alanine 1441 with valine.
Molecular consequence: missense variant. On other transcripts: non-coding transcript variant (1).
Genome position (GRCh38, 1-based): chr2:165,999,739, G>A on the plus strand (C>T on the coding strand, the complement: SCN1A is on the minus strand). VCF-style: chr2-165999739-G-A. GRCh37 (hg19) VCF-style: chr2-166856249-G-A.
Other names: c.4238C>T, p.Ala1413Val (NM_001353957.2, NM_001353958.2, NM_001165964.3); c.4235C>T, p.Ala1412Val (NM_001353960.2); c.1880C>T, p.Ala627Val (NM_001353961.2); c.4289C>T, p.Ala1430Val (NM_006920.6, NM_001353949.2, NM_001353950.2 and 2 more transcripts); c.4322C>T, p.Ala1441Val (NM_001202435.3, NM_001353948.2); c.4286C>T, p.Ala1429Val (NM_001353954.2, NM_001353955.2); short protein forms A1441V, A627V, A1413V, A1429V, A1412V, A1430V.
Identifiers: ClinVar variation 1454054 (VCV001454054.11), dbSNP rs2105486615, ClinGen allele CA349049563.